The following is an entry in ClinVar:

NM_020822.3(KCNT1):c.2500A>G (p.Ile834Val)

Gene: KCNT1 (potassium sodium-activated channel subfamily T member 1; plus strand). Cytogenetic location: 9q34.3.
Variant type: single nucleotide variant.
Coding change: c.2500A>G on transcript NM_020822.3 (MANE Select); coding-DNA position 2500, A replaced by G.
Protein change: p.Ile834Val; replaces isoleucine 834 with valine.
Molecular consequence: missense variant.
Genome position (GRCh38, 1-based): chr9:135,777,488, A>G. VCF-style: chr9-135777488-A-G. GRCh37 (hg19) VCF-style: chr9-138669334-A-G.
Other names: c.2365A>G, p.Ile789Val (NM_001272003.2); short protein forms I789V, I834V.
Identifiers: ClinVar variation 1057152 (VCV001057152.9), dbSNP rs1476079719, ClinGen allele CA375513709.

ClinVar aggregate classification (germline): Uncertain significance (1 of 4 stars; one submission).

Conditions:
Autosomal dominant nocturnal frontal lobe epilepsy 5. Also called: KCNT1-Related Epilepsy; CILIARY DYSKINESIA, PRIMARY, 28, WITHOUT SITUS INVERSUS; CILIARY DYSKINESIA, PRIMARY, 28, WITH SITUS INVERSUS; Epilepsy, nocturnal frontal lobe, 5. Identifiers: Orphanet 98784, MedGen C3554306, MONDO:0014002, OMIM 615005.
Developmental and epileptic encephalopathy, 14 (DEE14). Also called: Early infantile epileptic encephalopathy 14. Identifiers: Orphanet 293181, MedGen C3554195, MONDO:0013989, OMIM 614959.

Allele frequency attached by ClinVar (database versions not stated): gnomAD exomes below 0.00001; gnomAD 0.00001.
gnomAD v4.1: 5 of 1,613,702 alleles (0.00031%); highest among the groups gnomAD compares: East Asian, 0.0022%; no homozygotes.

Submission:

Labcorp Genetics (formerly Invitae), Labcorp
Classification: Uncertain significance for Autosomal dominant nocturnal frontal lobe epilepsy 5; Developmental and epileptic encephalopathy, 14. Last evaluated: 2020-06-02. Review status: criteria provided, single submitter. Criteria: Invitae Variant Classification Sherloc (09022015). Collection method: clinical testing. Allele origin: germline.
Comment: This sequence change replaces isoleucine with valine at codon 834 of the KCNT1 protein (p.Ile834Val). The isoleucine residue is highly conserved and there is a small physicochemical difference between isoleucine and valine. In summary, the available evidence is currently insufficient to determine the role of this variant in disease. Therefore, it has been classified as a Variant of Uncertain Significance. Algorithms developed to predict the effect of missense changes on protein structure and function are either unavailable or do not agree on the potential impact of this missense change (SIFT: "Deleterious"; PolyPhen-2: "Benign"; Align-GVGD: "Class C25"). This variant has not been reported in the literature in individuals with KCNT1-related conditions. This variant is not present in population databases (ExAC no frequency).